The following is an entry in ClinVar:

ClinVar aggregate classification (germline): Uncertain significance (1 of 4 stars; one submission).

Allele frequency attached by ClinVar (database versions not stated): gnomAD exomes below 0.00001 and 0.00001.
gnomAD v4.1: 4 of 1,608,398 alleles (0.00025%); highest among the groups gnomAD compares: Non-Finnish European, 0.00025%; no homozygotes.

Submission:

Labcorp Genetics (formerly Invitae), Labcorp
Classification: Uncertain significance. Last evaluated: 2021-11-02. Review status: criteria provided, single submitter. Criteria: Invitae Variant Classification Sherloc (09022015). Collection method: clinical testing. Allele origin: germline.
Comment: This sequence change replaces lysine, which is basic and polar, with arginine, which is basic and polar, at codon 35 of the ATAD1 protein (p.Lys35Arg). This variant is present in population databases (no rsID available, gnomAD 0.003%). This variant has not been reported in the literature in individuals affected with ATAD1-related conditions. Algorithms developed to predict the effect of missense changes on protein structure and function are either unavailable or do not agree on the potential impact of this missense change (SIFT: "Not Available"; PolyPhen-2: "Benign"; Align-GVGD: "Not Available"). In summary, the available evidence is currently insufficient to determine the role of this variant in disease. Therefore, it has been classified as a Variant of Uncertain Significance.

NM_001321967.2(ATAD1):c.104A>G (p.Lys35Arg)

Gene: ATAD1 (ATPase family AAA domain containing 1; minus strand). Cytogenetic location: 10q23.31.
Variant type: single nucleotide variant.
Coding change: c.104A>G on transcript NM_001321967.2 (MANE Select); coding-DNA position 104, A replaced by G.
Protein change: p.Lys35Arg; replaces lysine 35 with arginine.
Molecular consequence: missense variant. On other transcripts: 5 prime UTR variant (1), non-coding transcript variant (1).
Genome position (GRCh38, 1-based): chr10:87,814,496, T>C on the plus strand (A>G on the coding strand, the complement: ATAD1 is on the minus strand). VCF-style: chr10-87814496-T-C. GRCh37 (hg19) VCF-style: chr10-89574253-T-C.
Other names: c.104A>G, p.Lys35Arg (NM_001321968.2, NM_032810.4); c.-344A>G (NM_001321969.2); short protein forms K35R.
Identifiers: ClinVar variation 1518424 (VCV001518424.3), dbSNP rs1207341603, ClinGen allele CA377783572.